The following is an entry in ClinVar:

ClinVar aggregate classification (germline): Uncertain significance. Review status: criteria provided, multiple submitters, no conflicts (2 of 4 stars). 2 submissions from 2 submitters: Uncertain significance (2). Last evaluated 2025-11-05.

Conditions:
Inborn genetic diseases. Identifiers: MedGen C0950123, MeSH D030342.

gnomAD v4.1: 1 of 1,613,788 alleles (0.000062%); highest among the groups gnomAD compares: Non-Finnish European, 0.000085%; no homozygotes.

Submissions (2):

Ambry Genetics
Classification: Uncertain significance for Inborn genetic diseases. Last evaluated: 2025-11-05. Review status: criteria provided, single submitter. Criteria: Ambry Variant Classification Scheme 2023. Collection method: clinical testing. Allele origin: germline.

Labcorp Genetics (formerly Invitae), Labcorp
Classification: Uncertain significance. Last evaluated: 2024-02-23. Review status: criteria provided, single submitter. Criteria: Invitae Variant Classification Sherloc (09022015). Collection method: clinical testing. Allele origin: germline.
Comment: This sequence change replaces proline, which is neutral and non-polar, with leucine, which is neutral and non-polar, at codon 97 of the COL10A1 protein (p.Pro97Leu). This variant is not present in population databases (gnomAD no frequency). This variant has not been reported in the literature in individuals affected with COL10A1-related conditions. Advanced modeling of protein sequence and biophysical properties (such as structural, functional, and spatial information, amino acid conservation, physicochemical variation, residue mobility, and thermodynamic stability) has been performed at Invitae for this missense variant, however the output from this modeling did not meet the statistical confidence thresholds required to predict the impact of this variant on COL10A1 protein function. In summary, the available evidence is currently insufficient to determine the role of this variant in disease. Therefore, it has been classified as a Variant of Uncertain Significance.

NM_000493.4(COL10A1):c.290C>T (p.Pro97Leu)

Genes: NT5DC1 (5'-nucleotidase domain containing 1; plus strand), COL10A1 (collagen type X alpha 1 chain; minus strand). Cytogenetic location: 6q22.1.
Variant type: single nucleotide variant.
Coding change: c.290C>T on transcript NM_000493.4 (MANE Select); coding-DNA position 290, C replaced by T.
Protein change: p.Pro97Leu; replaces proline 97 with leucine.
Molecular consequence: missense variant. On other transcripts: intron variant (1).
Genome position (GRCh38, 1-based): chr6:116,121,826, G>A on the plus strand (C>T on the coding strand, the complement: COL10A1 is on the minus strand). VCF-style: chr6-116121826-G-A. GRCh37 (hg19) VCF-style: chr6-116442989-G-A.
Other names: c.290C>T, p.Pro97Leu (NM_001424107.1, NM_001424106.1); c.529+3881G>A (NM_152729.3); c.290C>T (NM_000493.3); short protein forms P97L.
Identifiers: ClinVar variation 3609693 (VCV003609693.3).